The following is an entry in ClinVar:

ClinVar aggregate classification (germline): Uncertain significance (1 of 4 stars; one submission).

Conditions:
Niemann-Pick disease, type C1. Also called: NIEMANN-PICK DISEASE, VARIANT TYPE C1; NEUROVISCERAL STORAGE DISEASE WITH VERTICAL SUPRANUCLEAR OPHTHALMOPLEGIA; NIEMANN-PICK DISEASE WITH CHOLESTEROL ESTERIFICATION BLOCK; NIEMANN-PICK DISEASE WITHOUT SPHINGOMYELINASE DEFICIENCY; NIEMANN-PICK DISEASE, CHRONIC NEURONOPATHIC FORM. Identifiers: Orphanet 646, MedGen C3179455, MONDO:0009757, OMIM 257220.

Submission:

Labcorp Genetics (formerly Invitae), Labcorp
Classification: Uncertain significance for Niemann-Pick disease, type C1. Last evaluated: 2022-08-09. Review status: criteria provided, single submitter. Criteria: Invitae Variant Classification Sherloc (09022015). Collection method: clinical testing. Allele origin: germline.
Comment: In summary, the available evidence is currently insufficient to determine the role of this variant in disease. Therefore, it has been classified as a Variant of Uncertain Significance. Advanced modeling of protein sequence and biophysical properties (such as structural, functional, and spatial information, amino acid conservation, physicochemical variation, residue mobility, and thermodynamic stability) performed at Invitae indicates that this missense variant is not expected to disrupt NPC1 protein function. This variant has not been reported in the literature in individuals affected with NPC1-related conditions. This variant is not present in population databases (gnomAD no frequency). This sequence change replaces proline, which is neutral and non-polar, with serine, which is neutral and polar, at codon 17 of the NPC1 protein (p.Pro17Ser).

NM_000271.5(NPC1):c.49C>T (p.Pro17Ser)

Gene: NPC1 (NPC intracellular cholesterol transporter 1; minus strand). Cytogenetic location: 18q11.2.
Variant type: single nucleotide variant.
Coding change: c.49C>T on transcript NM_000271.5 (MANE Select); coding-DNA position 49, C replaced by T.
Protein change: p.Pro17Ser; replaces proline 17 with serine.
Molecular consequence: missense variant.
Genome position (GRCh38, 1-based): chr18:23,586,295, G>A on the plus strand (C>T on the coding strand, the complement: NPC1 is on the minus strand). VCF-style: chr18-23586295-G-A. GRCh37 (hg19) VCF-style: chr18-21166259-G-A.
Other names: short protein forms P17S.
Identifiers: ClinVar variation 2080775 (VCV002080775.3), dbSNP rs2511394760, ClinGen allele CA402041479.
Genomic context (GRCh38, chr18:23,586,295, plus strand): 5'-CTCGGCCCCGCCACGTCCCCACAGGGCGTCCCGGTGGCCGGCGACCGCTCACCTGCGCTG[G>A]ACACAGTAGCAGCAGGAGGAGGCCAAGGGCCAGGCCGCGAGCGGTCATGCTGTGGCCGCG-3'
Protein context (NP_000262.2, residues 7-27): ALGLLLLLLC[Pro17Ser]AQVFSQSCVW